The following is an entry in ClinVar:

NM_006348.5(COG5):c.1049A>G (p.Tyr350Cys)

Gene: COG5 (component of oligomeric golgi complex 5; minus strand). Cytogenetic location: 7q22.3.
Variant type: single nucleotide variant.
Coding change: c.1049A>G on transcript NM_006348.5 (MANE Select); coding-DNA position 1049, A replaced by G.
Protein change: p.Tyr350Cys; replaces tyrosine 350 with cysteine.
Molecular consequence: missense variant. On other transcripts: intron variant (1).
Genome position (GRCh38, 1-based): chr7:107,324,499, T>C on the plus strand (A>G on the coding strand, the complement: COG5 is on the minus strand). VCF-style: chr7-107324499-T-C. GRCh37 (hg19) VCF-style: chr7-106964944-T-C.
Other names: c.1142A>G (NM_006348.3); c.1049A>G, p.Tyr350Cys (NM_001161520.2, NM_001379511.1, NM_001379512.1 and 3 more transcripts); c.335A>G, p.Tyr112Cys (NM_001379516.1); c.539-26153A>G (NM_001379515.1); short protein forms Y350C, Y112C.
Identifiers: ClinVar variation 1419017 (VCV001419017.6), dbSNP rs1388958454, ClinGen allele CA368941418.

ClinVar aggregate classification (germline): Uncertain significance. Review status: criteria provided, multiple submitters, no conflicts (2 of 4 stars). 2 submissions from 2 submitters: Uncertain significance (2). Last evaluated 2025-11-25.

Conditions:
COG5-congenital disorder of glycosylation. Also called: COG5-CDG; CONGENITAL DISORDER OF GLYCOSYLATION, TYPE IIi; CDG IIi. Identifiers: Orphanet 263487, MedGen C3150876, MONDO:0013325, OMIM 613612.
Inborn genetic diseases. Identifiers: MedGen C0950123, MeSH D030342.

Allele frequency attached by ClinVar (database versions not stated): gnomAD 0.00001; TOPMed 0.00001.

Submissions (2):

Ambry Genetics
Classification: Uncertain significance for Inborn genetic diseases. Last evaluated: 2025-11-25. Review status: criteria provided, single submitter. Criteria: Ambry Variant Classification Scheme 2023. Collection method: clinical testing. Allele origin: germline.

Labcorp Genetics (formerly Invitae), Labcorp
Classification: Uncertain significance for COG5-congenital disorder of glycosylation. Last evaluated: 2021-08-31. Review status: criteria provided, single submitter. Criteria: Invitae Variant Classification Sherloc (09022015). Collection method: clinical testing. Allele origin: germline.
Comment: This sequence change replaces tyrosine with cysteine at codon 381 of the COG5 protein (p.Tyr381Cys). The tyrosine residue is highly conserved and there is a large physicochemical difference between tyrosine and cysteine. This variant is not present in population databases (ExAC no frequency). This variant has not been reported in the literature in individuals affected with COG5-related conditions. Algorithms developed to predict the effect of missense changes on protein structure and function (SIFT, PolyPhen-2, Align-GVGD) all suggest that this variant is likely to be tolerated. In summary, the available evidence is currently insufficient to determine the role of this variant in disease. Therefore, it has been classified as a Variant of Uncertain Significance.